The following is an entry in ClinVar:

ClinVar aggregate classification (germline): Uncertain significance (1 of 4 stars; one submission).

gnomAD v4.1: 2 of 1,554,136 alleles (0.00013%); highest among the groups gnomAD compares: Admixed American, 0.0037%; no homozygotes.

Submission:

Labcorp Genetics (formerly Invitae), Labcorp
Classification: Uncertain significance. Last evaluated: 2023-10-03. Review status: criteria provided, single submitter. Criteria: Invitae Variant Classification Sherloc (09022015). Collection method: clinical testing. Allele origin: germline.
Comment: This sequence change replaces proline, which is neutral and non-polar, with leucine, which is neutral and non-polar, at codon 182 of the THBD protein (p.Pro182Leu). This variant is not present in population databases (gnomAD no frequency). This variant has not been reported in the literature in individuals affected with THBD-related conditions. ClinVar contains an entry for this variant (Variation ID: 2155996). Advanced modeling of protein sequence and biophysical properties (such as structural, functional, and spatial information, amino acid conservation, physicochemical variation, residue mobility, and thermodynamic stability) performed at Invitae indicates that this missense variant is not expected to disrupt THBD protein function. In summary, the available evidence is currently insufficient to determine the role of this variant in disease. Therefore, it has been classified as a Variant of Uncertain Significance.

NM_000361.3(THBD):c.545C>T (p.Pro182Leu)

Gene: THBD (thrombomodulin; minus strand). Cytogenetic location: 20p11.21.
Variant type: single nucleotide variant.
Coding change: c.545C>T on transcript NM_000361.3 (MANE Select); coding-DNA position 545, C replaced by T.
Protein change: p.Pro182Leu; replaces proline 182 with leucine.
Molecular consequence: missense variant.
Genome position (GRCh38, 1-based): chr20:23,048,960, G>A on the plus strand (C>T on the coding strand, the complement: THBD is on the minus strand). VCF-style: chr20-23048960-G-A. GRCh37 (hg19) VCF-style: chr20-23029597-G-A.
Other names: short protein forms P182L.
Identifiers: ClinVar variation 2155996 (VCV002155996.4), dbSNP rs746442061, ClinGen allele CA408407448.
Genomic context (GRCh38, chr20:23,048,960, plus strand): 5'-GCTCCGCGGGCCGCGAACGGGGTGCCGTAGGTGATCGAGACGGCGGCAGCCGCGGCGCCG[G>A]GCTCCACAGCCAGTGGCCTGCAGGTGGCTGGGAAGTGGAACTCGCAGAGGAAGCCATCGG-3'
Protein context (NP_000352.1, residues 172-192): PATCRPLAVE[Pro182Leu]GAAAAAVSIT